The following is an entry in ClinVar:

NM_021728.4(OTX2):c.143G>C (p.Arg48Pro)

Gene: OTX2 (orthodenticle homeobox 2; minus strand). Cytogenetic location: 14q22.3.
Variant type: single nucleotide variant.
Coding change: c.143G>C on transcript NM_021728.4 (MANE Select); coding-DNA position 143, G replaced by C.
Protein change: p.Arg48Pro; replaces arginine 48 with proline.
Molecular consequence: missense variant.
Genome position (GRCh38, 1-based): chr14:56,804,318, C>G on the plus strand (G>C on the coding strand, the complement: OTX2 is on the minus strand). VCF-style: chr14-56804318-C-G. GRCh37 (hg19) VCF-style: chr14-57271036-C-G.
Other names: c.119G>C, p.Arg40Pro (NM_001270523.2, NM_001270524.2, NM_172337.3); c.143G>C, p.Arg48Pro (NM_001270525.2); short protein forms R40P, R48P.
Identifiers: ClinVar variation 450455 (VCV000450455.2), dbSNP rs1555350405, ClinGen allele CA390052521.
Genomic context (GRCh38, chr14:56,804,318, plus strand): 5'-GTCTTGGCAAACAGTGCTTCCAGCACATCTAGCTGCGCCCGAGTGAACGTCGTCCTCTCC[C>G]GGCGCTGTTTCCGGGGGGTGGCTGCGGGACAAGAAGCCCAGGGCCCTTTAGGGTGGGGGA-3'
Protein context (NP_068374.1, residues 38-58): CPAATPRKQR[Arg48Pro]ERTTFTRAQL

ClinVar aggregate classification (germline): Uncertain significance (1 of 4 stars; one submission).

Submission:

GeneDx
Classification: Uncertain significance. Last evaluated: 2017-07-18. Review status: criteria provided, single submitter. Criteria: GeneDx Variant Classification (06012015). Collection method: clinical testing. Allele origin: germline. Affected: yes.
Comment: The R48P variant in the OTX2 gene has not been reported previously as a pathogenic variant, nor as a benign variant, to our knowledge. The R48P variant is not observed in large population cohorts (Lek et al., 2016; 1000 Genomes Consortium et al., 2015; Exome Variant Server). The R48P variant is a non-conservative amino acid substitution, which is likely to impact secondary protein structure as these residues differ in polarity, charge, size and/or other properties. This substitution occurs at a position that is conserved across species, and in silico analysis predicts this variant is probably damaging to the protein structure/function. We interpret R48P as a variant of uncertain significance.